The following is an entry in ClinVar:

NM_153026.3(PRICKLE1):c.220T>A (p.Tyr74Asn)

Gene: PRICKLE1 (prickle planar cell polarity protein 1; minus strand). Cytogenetic location: 12q12.
Variant type: single nucleotide variant.
Coding change: c.220T>A on transcript NM_153026.3 (MANE Select); coding-DNA position 220, T replaced by A.
Protein change: p.Tyr74Asn; replaces tyrosine 74 with asparagine.
Molecular consequence: missense variant.
Genome position (GRCh38, 1-based): chr12:42,470,272, A>T on the plus strand (T>A on the coding strand, the complement: PRICKLE1 is on the minus strand). VCF-style: chr12-42470272-A-T. GRCh37 (hg19) VCF-style: chr12-42864074-A-T.
Other names: c.220T>A, p.Tyr74Asn (NM_001144881.2, NM_001144882.2, NM_001144883.2); short protein forms Y74N.
Identifiers: ClinVar variation 2009358 (VCV002009358.4), dbSNP rs2503467770, ClinGen allele CA384444486.

ClinVar aggregate classification (germline): Uncertain significance (1 of 4 stars; one submission).

Conditions:
Epilepsy, progressive myoclonic, 1B. Also called: PME. Identifiers: Orphanet 308, MedGen C2676254, MONDO:0012904, OMIM 612437.

Submission:

Labcorp Genetics (formerly Invitae), Labcorp
Classification: Uncertain significance for Epilepsy, progressive myoclonic, 1B. Last evaluated: 2022-06-22. Review status: criteria provided, single submitter. Criteria: Invitae Variant Classification Sherloc (09022015). Collection method: clinical testing. Allele origin: germline.
Comment: In summary, the available evidence is currently insufficient to determine the role of this variant in disease. Therefore, it has been classified as a Variant of Uncertain Significance. Algorithms developed to predict the effect of missense changes on protein structure and function (SIFT, PolyPhen-2, Align-GVGD) all suggest that this variant is likely to be disruptive. This variant has not been reported in the literature in individuals affected with PRICKLE1-related conditions. This variant is not present in population databases (gnomAD no frequency). This sequence change replaces tyrosine, which is neutral and polar, with asparagine, which is neutral and polar, at codon 74 of the PRICKLE1 protein (p.Tyr74Asn).